The following is an entry in ClinVar:

ClinVar aggregate classification (germline): Uncertain significance (1 of 4 stars; one submission).

Conditions:
6-Pyruvoyl-tetrahydrobiopterin synthase deficiency. Also called: 6-Pyruvoyltetrahydropterin Synthase Deficiency; HYPERPHENYLALANINEMIA, TETRAHYDROBIOPTERIN-DEFICIENT, DUE TO PTS DEFICIENCY; Hyperphenylalanemia, BH4-deficient, A; Hyperphenylalaninemia due to 6-pyruvoyl-tetrahydropterin synthase deficiency; PTS-Related Tetrahydrobiopterin Deficiency; BH4-deficient hyperphenylalaninemia A. Identifiers: Orphanet 13, Orphanet 238583, MedGen C0878676, MONDO:0009863, OMIM 261640.

Allele frequency attached by ClinVar (database versions not stated): gnomAD 0.00001; TOPMed 0.00002; ExAC 0.00003.
gnomAD v4.1: 18 of 1,579,896 alleles (0.0011%); highest among the groups gnomAD compares: Non-Finnish European, 0.0014%; no homozygotes.

Submission:

Labcorp Genetics (formerly Invitae), Labcorp
Classification: Uncertain significance for 6-Pyruvoyl-tetrahydrobiopterin synthase deficiency. Last evaluated: 2022-05-21. Review status: criteria provided, single submitter. Criteria: Invitae Variant Classification Sherloc (09022015). Collection method: clinical testing. Allele origin: germline.
Comment: This sequence change falls in intron 1 of the PTS gene. It does not directly change the encoded amino acid sequence of the PTS protein. It affects a nucleotide within the consensus splice site. The frequency data for this variant in the population databases is considered unreliable, as metrics indicate poor data quality at this position in the gnomAD database. This variant has not been reported in the literature in individuals affected with PTS-related conditions. Variants that disrupt the consensus splice site are a relatively common cause of aberrant splicing (PMID: 17576681, 9536098). Algorithms developed to predict the effect of sequence changes on RNA splicing suggest that this variant may create or strengthen a splice site. In summary, the available evidence is currently insufficient to determine the role of this variant in disease. Therefore, it has been classified as a Variant of Uncertain Significance.

Literature cited by the submitters: PubMed 17576681; PubMed 9536098.

NM_000317.3(PTS):c.83+5G>A

Genes: PTS (6-pyruvoyltetrahydropterin synthase; plus strand), LOC130006765 (ATAC-STARR-seq lymphoblastoid silent region 3906; plus strand). Cytogenetic location: 11q23.1.
Variant type: single nucleotide variant.
Coding change: c.83+5G>A on transcript NM_000317.3 (MANE Select); 5 bases into the intron after coding-DNA position 83, G replaced by A.
Molecular consequence: intron variant.
Genome position (GRCh38, 1-based): chr11:112,226,531, G>A. VCF-style: chr11-112226531-G-A. GRCh37 (hg19) VCF-style: chr11-112097254-G-A.
Identifiers: ClinVar variation 2068755 (VCV002068755.1), dbSNP rs746134820, ClinGen allele CA6278429.